The following is an entry in ClinVar:

NM_172107.4(KCNQ2):c.1156C>G (p.Pro386Ala)

Gene: KCNQ2 (potassium voltage-gated channel subfamily Q member 2; minus strand). Cytogenetic location: 20q13.33.
Variant type: single nucleotide variant.
Coding change: c.1156C>G on transcript NM_172107.4 (MANE Select); coding-DNA position 1156, C replaced by G.
Protein change: p.Pro386Ala; replaces proline 386 with alanine.
Molecular consequence: missense variant.
Genome position (GRCh38, 1-based): chr20:63,428,428, G>C on the plus strand (C>G on the coding strand, the complement: KCNQ2 is on the minus strand). VCF-style: chr20-63428428-G-C. GRCh37 (hg19) VCF-style: chr20-62059781-G-C.
Other names: c.1156C>G, p.Pro386Ala (NM_001382235.1, NM_172106.3, NM_172108.5); c.1126C>G, p.Pro376Ala (NM_004518.6); short protein forms P376A, P386A.
Identifiers: ClinVar variation 3252508 (VCV003252508.1), dbSNP rs1394738986.

ClinVar aggregate classification (germline): Likely pathogenic (1 of 4 stars; one submission).

Submission:

GeneDx
Classification: Likely pathogenic. Last evaluated: 2024-06-09. Review status: criteria provided, single submitter. Criteria: GeneDx Variant Classification Process June 2021. Collection method: clinical testing. Allele origin: germline. Affected: yes.
Comment: Not observed at significant frequency in large population cohorts (gnomAD); In silico analysis supports that this missense variant has a deleterious effect on protein structure/function; Predicted to be within the C-terminal cytoplasmic domain; Has not been previously published as pathogenic or benign to our knowledge